The following is an entry in ClinVar:

NM_001040108.2(MLH3):c.3828G>A (p.Trp1276Ter)

Gene: MLH3 (mutL homolog 3; minus strand). Cytogenetic location: 14q24.3.
Variant type: single nucleotide variant.
Coding change: c.3828G>A on transcript NM_001040108.2 (MANE Select); coding-DNA position 3828, G replaced by A.
Protein change: p.Trp1276Ter; replaces tryptophan 1276 with a stop codon.
Molecular consequence: nonsense.
Genome position (GRCh38, 1-based): chr14:75,030,702, C>T on the plus strand (G>A on the coding strand, the complement: MLH3 is on the minus strand). VCF-style: chr14-75030702-C-T. GRCh37 (hg19) VCF-style: chr14-75497405-C-T.
Other names: c.3756G>A, p.Trp1252Ter (NM_014381.3); short protein forms W1252*, W1276*.
Identifiers: ClinVar variation 4860226 (VCV004860226.1).

ClinVar aggregate classification (germline): Pathogenic (1 of 4 stars; one submission).

gnomAD v4.1: 1 of 1,612,556 alleles (0.000062%); highest among the groups gnomAD compares: East Asian, 0.0022%; no homozygotes.

Submission:

Ambry Genetics
Classification: Pathogenic. Last evaluated: 2026-06-02. Review status: criteria provided, single submitter. Criteria: Ambry Variant Classification Scheme 2023. Collection method: clinical testing. Allele origin: germline.
Comment: The p.W1276* pathogenic mutation (also known as c.3828G>A), located in coding exon 8 of the MLH3 gene, results from a G to A substitution at nucleotide position 3828. This changes the amino acid from a tryptophan to a stop codon within coding exon 8. This variant is considered to be rare based on population cohorts in the Genome Aggregation Database (gnomAD). This alteration is expected to result in loss of function by premature protein truncation or nonsense-mediated mRNA decay. As such, this alteration is interpreted as a disease-causing mutation.